The following is an entry in ClinVar:

ClinVar aggregate classification (germline): Uncertain significance (1 of 4 stars; one submission).

Conditions:
Wilms tumor 1 (WT1). Also called: Wilms tumor, somatic. Identifiers: Orphanet 654, MedGen CN033288, MONDO:0008679, OMIM 194070.

Allele frequency attached by ClinVar (database versions not stated): gnomAD exomes below 0.00001.
gnomAD v4.1: 1 of 1,206,694 alleles (0.000083%); highest among the groups gnomAD compares: East Asian, 0.003%; no homozygotes.

Submission:

Labcorp Genetics (formerly Invitae), Labcorp
Classification: Uncertain significance for Wilms tumor 1. Last evaluated: 2023-09-06. Review status: criteria provided, single submitter. Criteria: Invitae Variant Classification Sherloc (09022015). Collection method: clinical testing. Allele origin: germline.
Comment: This sequence change replaces serine, which is neutral and polar, with cysteine, which is neutral and slightly polar, at codon 400 of the GPC3 protein (p.Ser400Cys). This variant is not present in population databases (gnomAD no frequency). This variant has not been reported in the literature in individuals affected with GPC3-related conditions. ClinVar contains an entry for this variant (Variation ID: 963609). Advanced modeling of protein sequence and biophysical properties (such as structural, functional, and spatial information, amino acid conservation, physicochemical variation, residue mobility, and thermodynamic stability) has been performed at Invitae for this missense variant, however the output from this modeling did not meet the statistical confidence thresholds required to predict the impact of this variant on GPC3 protein function. In summary, the available evidence is currently insufficient to determine the role of this variant in disease. Therefore, it has been classified as a Variant of Uncertain Significance.

NM_004484.4(GPC3):c.1198A>T (p.Ser400Cys)

Gene: GPC3 (glypican 3; minus strand). Cytogenetic location: Xq26.2.
Variant type: single nucleotide variant.
Coding change: c.1198A>T on transcript NM_004484.4 (MANE Select); coding-DNA position 1198, A replaced by T.
Protein change: p.Ser400Cys; replaces serine 400 with cysteine.
Molecular consequence: missense variant.
Genome position (GRCh38, 1-based): chrX:133,692,463, T>A on the plus strand (A>T on the coding strand, the complement: GPC3 is on the minus strand). VCF-style: chrX-133692463-T-A. GRCh37 (hg19) VCF-style: chrX-132826491-T-A.
Other names: c.1267A>T, p.Ser423Cys (NM_001164617.2); c.1150A>T, p.Ser384Cys (NM_001164618.2); c.1036A>T, p.Ser346Cys (NM_001164619.2); short protein forms S400C, S423C, S346C, S384C.
Identifiers: ClinVar variation 963609 (VCV000963609.10), dbSNP rs1603226518, ClinGen allele CA414705698.